The following is an entry in ClinVar:

ClinVar aggregate classification (germline): Benign. Review status: criteria provided, single submitter (1 of 4 stars). 2 submissions from 2 submitters: Benign (1). 1 of the submissions does not count toward it. Last evaluated 2025-10-18.

Conditions:
ERBIN-related disorder. Also called: ERBIN-related condition.

Submissions (2):

Labcorp Genetics (formerly Invitae), Labcorp
Classification: Benign. Last evaluated: 2025-10-18. Review status: criteria provided, single submitter. Criteria: Invitae Variant Classification Sherloc (09022015). Collection method: clinical testing. Allele origin: germline.

PreventionGenetics, part of Exact Sciences
Classification: Likely benign for ERBIN-related condition. Last evaluated: 2023-07-31. Review status: no assertion criteria provided. Collection method: clinical testing. Allele origin: germline. Not counted in ClinVar's aggregate classification.
Comment: This variant is classified as likely benign based on ACMG/AMP sequence variant interpretation guidelines (Richards et al. 2015 PMID: 25741868, with internal and published modifications).

NM_001253697.2(ERBIN):c.1137-8dup

Gene: ERBIN (erbb2 interacting protein; plus strand). Cytogenetic location: 5q12.3.
Variant type: Duplication.
Coding change: c.1137-8dup on transcript NM_001253697.2 (MANE Select); 8 bases into the intron before coding-DNA position 1137, one base duplicated (T; older notation c.1137-8dupT).
Molecular consequence: intron variant.
Genome position (GRCh38, 1-based): chr5:66,028,266, T duplicated; the last of 7 consecutive T bases (chr5:66,028,260-66,028,266); duplicating any one gives the same sequence. VCF-style (leftmost placement, unchanged base first): chr5-66028259-A-AT. GRCh37 (hg19) VCF-style: chr5-65324087-A-AT.
Other names: c.1137-8dup (NM_001253699.2, NM_018695.4, NM_001253698.2 and 2 more transcripts); c.1137-8dupT (NM_001006600.2).
Identifiers: ClinVar variation 1532389 (VCV001532389.10), dbSNP rs779327946, ClinGen allele CA3286171.